The following is an entry in ClinVar:

ClinVar aggregate classification (germline): Uncertain significance. Review status: criteria provided, multiple submitters, no conflicts (2 of 4 stars). 2 submissions from 2 submitters: Uncertain significance (2). Last evaluated 2025-11-06.

Allele frequency attached by ClinVar (database versions not stated): gnomAD 0.00003; ExAC 0.00011.
gnomAD v4.1: 199 of 1,614,040 alleles (0.012%); highest among the groups gnomAD compares: Non-Finnish European, 0.016%; no homozygotes.

Submissions (2):

Ambry Genetics
Classification: Uncertain significance. Last evaluated: 2025-11-06. Review status: criteria provided, single submitter. Criteria: Ambry Variant Classification Scheme 2023. Collection method: clinical testing. Allele origin: germline.

Labcorp Genetics (formerly Invitae), Labcorp
Classification: Uncertain significance. Last evaluated: 2024-07-03. Review status: criteria provided, single submitter. Criteria: Invitae Variant Classification Sherloc (09022015). Collection method: clinical testing. Allele origin: germline.
Comment: This sequence change replaces asparagine, which is neutral and polar, with threonine, which is neutral and polar, at codon 300 of the ATRN protein (p.Asn300Thr). This variant is present in population databases (rs138628890, gnomAD 0.02%). This variant has not been reported in the literature in individuals affected with ATRN-related conditions. ClinVar contains an entry for this variant (Variation ID: 2381018). An algorithm developed to predict the effect of missense changes on protein structure and function (PolyPhen-2) suggests that this variant is likely to be tolerated. In summary, the available evidence is currently insufficient to determine the role of this variant in disease. Therefore, it has been classified as a Variant of Uncertain Significance.

NM_139321.3(ATRN):c.899A>C (p.Asn300Thr)

Gene: ATRN (attractin; plus strand). Cytogenetic location: 20p13.
Variant type: single nucleotide variant.
Coding change: c.899A>C on transcript NM_139321.3 (MANE Select); coding-DNA position 899, A replaced by C.
Protein change: p.Asn300Thr; replaces asparagine 300 with threonine.
Molecular consequence: missense variant.
Genome position (GRCh38, 1-based): chr20:3,547,445, A>C. VCF-style: chr20-3547445-A-C. GRCh37 (hg19) VCF-style: chr20-3528092-A-C.
Other names: c.551A>C, p.Asn184Thr (NM_001207047.3); c.899A>C, p.Asn300Thr (NM_001323332.2, NM_139322.4); short protein forms N184T, N300T.
Identifiers: ClinVar variation 2381018 (VCV002381018.6), dbSNP rs138628890, ClinGen allele CA9743919.